The following is an entry in ClinVar:

NM_000302.4(PLOD1):c.295G>A (p.Ala99Thr)

Gene: PLOD1 (procollagen-lysine,2-oxoglutarate 5-dioxygenase 1; plus strand). Cytogenetic location: 1p36.22.
Variant type: single nucleotide variant.
Coding change: c.295G>A on transcript NM_000302.4 (MANE Select); coding-DNA position 295, G replaced by A.
Protein change: p.Ala99Thr; replaces alanine 99 with threonine.
Molecular consequence: missense variant.
Genome position (GRCh38, 1-based): chr1:11,949,899, G>A. VCF-style: chr1-11949899-G-A. GRCh37 (hg19) VCF-style: chr1-12009956-G-A.
Other names: c.436G>A, p.Ala146Thr (NM_001316320.2); short protein forms A99T, A146T.
Identifiers: ClinVar variation 196247 (VCV000196247.77), dbSNP rs7551175, ClinGen allele CA202238.

ClinVar aggregate classification (germline): Benign/Likely benign. Review status: criteria provided, multiple submitters, no conflicts (2 of 4 stars). 15 submissions from 15 submitters: Benign (12); Likely benign (1). 2 of the submissions do not count toward it. Last evaluated 2026-02-04.

Conditions:
Ehlers-Danlos syndrome (EDS). Identifiers: Orphanet 98249, MedGen C0013720, MONDO:0020066.
Familial thoracic aortic aneurysm and aortic dissection (TAAD). Also called: Thoracic aortic aneurysms and dissections. Identifiers: Orphanet 91387, MedGen C4707243, MONDO:0019625.
Ehlers-Danlos syndrome, kyphoscoliotic type 1 (EDSKSCL1). Also called: EHLERS-DANLOS SYNDROME, TYPE VIA; Ehlers-Danlos syndrome, hydroxylysine-deficient; EHLERS-DANLOS SYNDROME, OCULAR-SCOLIOTIC TYPE; PLOD1-Related Kyphoscoliotic Ehlers-Danlos Syndrome. Identifiers: Orphanet 1900, MedGen C0268342, MONDO:0016002, OMIM 225400. Disease mechanism: loss of function.

Allele frequency attached by ClinVar (database versions not stated): gnomAD exomes 0.16545 and 0.18098; ExAC 0.19344; gnomAD 0.26043 and 0.26545; TOPMed 0.27113; ESP Exome Variant Server 0.28056; 1000 Genomes Project 0.29952; 1000 Genomes Project 30x 0.30325.
gnomAD v4.1: 282,760 of 1,613,404 alleles (18%); highest among the groups gnomAD compares: African/African-American, 54%; 31,170 homozygotes.

Submissions (15):

Labcorp Genetics (formerly Invitae), Labcorp
Classification: Benign for Ehlers-Danlos syndrome, kyphoscoliotic type 1. Last evaluated: 2026-02-04. Review status: criteria provided, single submitter. Criteria: Invitae Variant Classification Sherloc (09022015). Collection method: clinical testing. Allele origin: germline.

ARUP Laboratories, Molecular Genetics and Genomics, ARUP Laboratories
Classification: Benign for Ehlers-Danlos syndrome, kyphoscoliotic type 1. Last evaluated: 2025-07-23. Review status: criteria provided, single submitter. Criteria: ARUP Molecular Germline Variant Investigation Process 2024. Collection method: clinical testing. Allele origin: germline.

Molecular Diagnostic Laboratory for Inherited Cardiovascular Disease, Montreal Heart Institute
Classification: Benign. Last evaluated: 2025-04-09. Review status: criteria provided, single submitter. Criteria: ACMG Guidelines, 2015. Collection method: clinical testing. Allele origin: germline. Affected: no.

Blueprint Genetics
Classification: Benign. Last evaluated: 2024-11-26. Review status: criteria provided, single submitter. Criteria: ACMG Guidelines, 2015. Collection method: clinical testing. Allele origin: germline.

Women's Health and Genetics/Laboratory Corporation of America, LabCorp
Classification: Likely benign. Last evaluated: 2023-04-09. Review status: criteria provided, single submitter. Criteria: LabCorp Variant Classification Summary - May 2015. Collection method: clinical testing. Allele origin: germline.

Genome Diagnostics Laboratory, The Hospital for Sick Children
Classification: Benign for Ehlers-Danlos syndrome. Last evaluated: 2022-07-14. Review status: criteria provided, single submitter. Criteria: ACMG Guidelines, 2015. Collection method: clinical testing. Allele origin: germline.

Mayo Clinic Laboratories, Mayo Clinic
Classification: Benign. Last evaluated: 2019-03-13. Review status: criteria provided, single submitter. Criteria: ACMG Guidelines, 2015. Collection method: clinical testing. Allele origin: germline. Observed: 1,451 variant alleles.

Illumina Laboratory Services, Illumina
Classification: Benign for Ehlers-Danlos syndrome, kyphoscoliotic type 1. Last evaluated: 2018-03-06. Review status: criteria provided, single submitter. Criteria: ICSL Variant Classification Criteria 13 December 2019. Collection method: clinical testing. Allele origin: germline.
Comment: This variant was observed in the ICSL laboratory as part of a predisposition screen in an ostensibly healthy population. It had not been previously curated by ICSL or reported in the Human Gene Mutation Database (HGMD: prior to June 1st, 2018), and was therefore a candidate for classification through an automated scoring system. Utilizing variant allele frequency, disease prevalence and penetrance estimates, and inheritance mode, an automated score was calculated to assess if this variant is too frequent to cause the disease. Based on the score and internal cut-off values, a variant classified as benign is not then subjected to further curation. The score for this variant resulted in a classification of benign for this disease.

GeneDx
Classification: Benign. Last evaluated: 2016-10-04. Review status: criteria provided, single submitter. Criteria: GeneDx Variant Classification (06012015). Collection method: clinical testing. Allele origin: germline. Affected: yes.
Comment: This variant is considered likely benign or benign based on one or more of the following criteria: it is a conservative change, it occurs at a poorly conserved position in the protein, it is predicted to be benign by multiple in silico algorithms, and/or has population frequency not consistent with disease.

Eurofins Ntd Llc (ga)
Classification: Benign. Last evaluated: 2015-05-22. Review status: criteria provided, single submitter. Criteria: EGL Classification Definitions 2015. Collection method: clinical testing. Allele origin: germline. Observed: 1 variant allele, 1 homozygote.

Ambry Genetics
Classification: Benign for Familial thoracic aortic aneurysm and aortic dissection. Last evaluated: 2015-01-29. Review status: criteria provided, single submitter. Criteria: Ambry Variant Classification Scheme 2023. Collection method: clinical testing. Allele origin: germline.

Breakthrough Genomics
Classification: Benign. Review status: criteria provided, single submitter. Criteria: ACMG Guidelines, 2015. Collection method: not provided. Allele origin: germline. Inheritance: Autosomal recessive inheritance. Affected: yes.

PreventionGenetics, part of Exact Sciences
Classification: Benign. Review status: criteria provided, single submitter. Criteria: ACMG Guidelines, 2015. Collection method: clinical testing. Allele origin: germline.

Genome Diagnostics Laboratory, Amsterdam University Medical Center
Classification: Benign. Review status: no assertion criteria provided. Collection method: clinical testing. Allele origin: germline. Affected: yes. Study: VKGL Data-share Consensus. Not counted in ClinVar's aggregate classification.

Joint Genome Diagnostic Labs from Nijmegen and Maastricht, Radboudumc and MUMC+
Classification: Benign. Review status: no assertion criteria provided. Collection method: clinical testing. Allele origin: germline. Affected: yes. Study: VKGL Data-share Consensus. Not counted in ClinVar's aggregate classification.